The following is an entry in ClinVar:

NM_001144967.3(NEDD4L):c.452C>T (p.Ala151Val)

Gene: NEDD4L (NEDD4 like E3 ubiquitin protein ligase; plus strand). Cytogenetic location: 18q21.31.
Variant type: single nucleotide variant.
Coding change: c.452C>T on transcript NM_001144967.3 (MANE Select); coding-DNA position 452, C replaced by T.
Protein change: p.Ala151Val; replaces alanine 151 with valine.
Molecular consequence: missense variant.
Genome position (GRCh38, 1-based): chr18:58,323,273, C>T. VCF-style: chr18-58323273-C-T. GRCh37 (hg19) VCF-style: chr18-55990505-C-T.
Other names: c.89C>T, p.Ala30Val (NM_001144964.1, NM_001144965.2, NM_001144966.3 and 2 more transcripts); c.428C>T, p.Ala143Val (NM_001144968.2, NM_001144969.2); c.452C>T, p.Ala151Val (NM_001243960.2, NM_015277.6); short protein forms A151V, A143V, A30V.
Identifiers: ClinVar variation 1486783 (VCV001486783.8), dbSNP rs2149493068, ClinGen allele CA402551996.

ClinVar aggregate classification (germline): Uncertain significance (1 of 4 stars; one submission).

gnomAD v4.1: 2 of 1,605,094 alleles (0.00012%); highest among the groups gnomAD compares: South Asian, 0.0011%; no homozygotes.

Submission:

Labcorp Genetics (formerly Invitae), Labcorp
Classification: Uncertain significance. Last evaluated: 2025-02-24. Review status: criteria provided, single submitter. Criteria: Invitae Variant Classification Sherloc (09022015). Collection method: clinical testing. Allele origin: germline.
Comment: This sequence change replaces alanine, which is neutral and non-polar, with valine, which is neutral and non-polar, at codon 151 of the NEDD4L protein (p.Ala151Val). This variant is not present in population databases (gnomAD no frequency). This variant has not been reported in the literature in individuals affected with NEDD4L-related conditions. ClinVar contains an entry for this variant (Variation ID: 1486783). Invitae Evidence Modeling of protein sequence and biophysical properties (such as structural, functional, and spatial information, amino acid conservation, physicochemical variation, residue mobility, and thermodynamic stability) indicates that this missense variant is not expected to disrupt NEDD4L protein function with a negative predictive value of 80%. In summary, the available evidence is currently insufficient to determine the role of this variant in disease. Therefore, it has been classified as a Variant of Uncertain Significance.